The following is an entry in ClinVar:

ClinVar aggregate classification (germline): Uncertain significance (1 of 4 stars; one submission).

Submission:

GeneDx
Classification: Uncertain significance. Last evaluated: 2024-07-01. Review status: criteria provided, single submitter. Criteria: GeneDx Variant Classification Process June 2021. Collection method: clinical testing. Allele origin: germline. Affected: yes.
Comment: Not observed at significant frequency in large population cohorts (gnomAD); In silico analysis supports that this missense variant has a deleterious effect on protein structure/function; Has not been previously published as pathogenic or benign to our knowledge

NM_004423.4(DVL3):c.1529A>T (p.Asp510Val)

Gene: DVL3 (dishevelled segment polarity protein 3; plus strand). Cytogenetic location: 3q27.1.
Variant type: single nucleotide variant.
Coding change: c.1529A>T on transcript NM_004423.4 (MANE Select); coding-DNA position 1529, A replaced by T.
Protein change: p.Asp510Val; replaces aspartic acid 510 with valine.
Molecular consequence: missense variant.
Genome position (GRCh38, 1-based): chr3:184,170,036, A>T. VCF-style: chr3-184170036-A-T. GRCh37 (hg19) VCF-style: chr3-183887824-A-T.
Other names: short protein forms D510V.
Identifiers: ClinVar variation 3393651 (VCV003393651.1).
Genomic context (GRCh38, chr3:184,170,036, plus strand): 5'-CCTAGCTCCATCCGGCCCTCCCCTTCACAGACATGGCCAACCTGTCTCTCCACGATCACG[A>T]TGGCTCCAGTGGCGCCTCTGACCAGGACACACTGGCCCCTTTGCCGCACCCGGGGGCCGC-3'
Protein context (NP_004414.3, residues 500-520): NMANLSLHDH[Asp510Val]GSSGASDQDT